The following is an entry in ClinVar:

NM_001042424.3(NSD2):c.1922A>G (p.Tyr641Cys)

Gene: NSD2 (nuclear receptor binding SET domain protein 2; plus strand). Cytogenetic location: 4p16.3.
Variant type: single nucleotide variant.
Coding change: c.1922A>G on transcript NM_001042424.3 (MANE Select); coding-DNA position 1922, A replaced by G.
Protein change: p.Tyr641Cys; replaces tyrosine 641 with cysteine.
Molecular consequence: missense variant.
Genome position (GRCh38, 1-based): chr4:1,951,112, A>G. VCF-style: chr4-1951112-A-G. GRCh37 (hg19) VCF-style: chr4-1952839-A-G.
Other names: c.1922A>G, p.Tyr641Cys (NM_133330.3, NM_133331.3, NM_133335.4); short protein forms Y641C.
Identifiers: ClinVar variation 1680182 (VCV001680182.6), dbSNP rs2108940350, ClinGen allele CA355982126.

ClinVar aggregate classification (germline): Uncertain significance (1 of 4 stars; one submission).

Submission:

Labcorp Genetics (formerly Invitae), Labcorp
Classification: Uncertain significance. Last evaluated: 2022-08-23. Review status: criteria provided, single submitter. Criteria: Invitae Variant Classification Sherloc (09022015). Collection method: clinical testing. Allele origin: germline.
Comment: In summary, the available evidence is currently insufficient to determine the role of this variant in disease. Therefore, it has been classified as a Variant of Uncertain Significance. Algorithms developed to predict the effect of missense changes on protein structure and function (SIFT, PolyPhen-2, Align-GVGD) all suggest that this variant is likely to be tolerated. ClinVar contains an entry for this variant (Variation ID: 1680182). This variant has not been reported in the literature in individuals affected with WHSC1-related conditions. This variant is not present in population databases (gnomAD no frequency). This sequence change replaces tyrosine, which is neutral and polar, with cysteine, which is neutral and slightly polar, at codon 641 of the WHSC1 protein (p.Tyr641Cys).